The following is an entry in ClinVar:

NM_001042424.3(NSD2):c.3986G>A (p.Gly1329Glu)

Gene: NSD2 (nuclear receptor binding SET domain protein 2; plus strand). Cytogenetic location: 4p16.3.
Variant type: single nucleotide variant.
Coding change: c.3986G>A on transcript NM_001042424.3 (MANE Select); coding-DNA position 3986, G replaced by A.
Protein change: p.Gly1329Glu; replaces glycine 1329 with glutamic acid.
Molecular consequence: missense variant.
Genome position (GRCh38, 1-based): chr4:1,978,797, G>A. VCF-style: chr4-1978797-G-A. GRCh37 (hg19) VCF-style: chr4-1980524-G-A.
Other names: c.3986G>A, p.Gly1329Glu (NM_133330.3, NM_133331.3, NM_133335.4); short protein forms G1329E.
Identifiers: ClinVar variation 2429506 (VCV002429506.1), dbSNP rs1161045853, ClinGen allele CA356006256.

ClinVar aggregate classification (germline): Uncertain significance (1 of 4 stars; one submission).

Allele frequency attached by ClinVar (database versions not stated): gnomAD exomes below 0.00001.
gnomAD v4.1: 7 of 1,612,680 alleles (0.00043%); highest among the groups gnomAD compares: African/African-American, 0.0013%; no homozygotes.

Submission:

GeneDx
Classification: Uncertain significance. Last evaluated: 2022-08-08. Review status: criteria provided, single submitter. Criteria: GeneDx Variant Classification Process June 2021. Collection method: clinical testing. Allele origin: germline. Affected: yes.
Comment: In silico analysis supports that this missense variant does not alter protein structure/function; Has not been previously published as pathogenic or benign to our knowledge